The following is an entry in ClinVar:

ClinVar aggregate classification (germline): Uncertain significance (1 of 4 stars; one submission).

Conditions:
Combined immunodeficiency due to LRBA deficiency. Also called: Common variable immunodeficiency 8, with autoimmunity. Identifiers: Orphanet 445018, MedGen C3553512, MONDO:0013863, OMIM 614700.

Allele frequency attached by ClinVar (database versions not stated): TOPMed 0.00001; ESP Exome Variant Server 0.00008; ExAC 0.00001; gnomAD 0.00001; gnomAD exomes below 0.00001.
gnomAD v4.1: 7 of 1,614,018 alleles (0.00043%); highest among the groups gnomAD compares: South Asian, 0.0022%; no homozygotes.

Submission:

Labcorp Genetics (formerly Invitae), Labcorp
Classification: Uncertain significance for Combined immunodeficiency due to LRBA deficiency. Last evaluated: 2022-11-28. Review status: criteria provided, single submitter. Criteria: Invitae Variant Classification Sherloc (09022015). Collection method: clinical testing. Allele origin: germline.
Comment: ClinVar contains an entry for this variant (Variation ID: 647157). Advanced modeling of protein sequence and biophysical properties (such as structural, functional, and spatial information, amino acid conservation, physicochemical variation, residue mobility, and thermodynamic stability) performed at Invitae indicates that this missense variant is not expected to disrupt LRBA protein function. In summary, the available evidence is currently insufficient to determine the role of this variant in disease. Therefore, it has been classified as a Variant of Uncertain Significance. This sequence change replaces arginine, which is basic and polar, with glutamine, which is neutral and polar, at codon 1683 of the LRBA protein (p.Arg1683Gln). This variant is present in population databases (rs369969505, gnomAD 0.0009%). This variant has not been reported in the literature in individuals affected with LRBA-related conditions.

NM_001364905.1(LRBA):c.5048G>A (p.Arg1683Gln)

Gene: LRBA (LPS responsive beige-like anchor protein; minus strand). Cytogenetic location: 4q31.3.
Variant type: single nucleotide variant.
Coding change: c.5048G>A on transcript NM_001364905.1 (MANE Select); coding-DNA position 5048, G replaced by A.
Protein change: p.Arg1683Gln; replaces arginine 1683 with glutamine.
Molecular consequence: missense variant.
Genome position (GRCh38, 1-based): chr4:150,828,303, C>T on the plus strand (G>A on the coding strand, the complement: LRBA is on the minus strand). VCF-style: chr4-150828303-C-T. GRCh37 (hg19) VCF-style: chr4-151749455-C-T.
Other names: c.5048G>A, p.Arg1683Gln (NM_001199282.3, NM_001367550.1, NM_006726.5); short protein forms R1683Q.
Identifiers: ClinVar variation 647157 (VCV000647157.7), dbSNP rs369969505, ClinGen allele CA3102593.